The following is an entry in ClinVar:

ClinVar aggregate classification (germline): other (0 of 4 stars; one submission).

Conditions:
Familial colorectal cancer. Identifiers: MedGen CN280943, MONDO:0023113. Disease mechanism: loss of function.

Submission:

Systems Biology Platform Zhejiang California International NanoSystems Institute
Classification: other for Familial colorectal cancer. Review status: no assertion criteria provided. Collection method: not provided. Allele origin: unknown.
ClinVar note: Converted during submission from cancer to other.

NM_000038.6(APC):c.1744-731T>G

Gene: APC (APC regulator of WNT signaling pathway; plus strand). Cytogenetic location: 5q22.2.
Variant type: single nucleotide variant.
Coding change: c.1744-731T>G on transcript NM_000038.6 (MANE Select); 731 bases into the intron before coding-DNA position 1744, T replaced by G.
Molecular consequence: intron variant.
Genome position (GRCh38, 1-based): chr5:112,834,220, T>G. VCF-style: chr5-112834220-T-G. GRCh37 (hg19) VCF-style: chr5-112169917-T-G.
Other names: c.1744-731T>G (NM_001354895.2, NM_001127510.3); c.1774-731T>G (NM_001354897.2); c.1471-731T>G (NM_001354902.2); c.1690-731T>G (NM_001127511.3); c.1669-731T>G (NM_001354898.2); c.1366-731T>G (NM_001354904.2); c.895-731T>G (NM_001354906.2); c.1798-731T>G (NM_001354896.2); and 5 more.
Identifiers: ClinVar variation 82611 (VCV000082611.2), dbSNP rs75015074, ClinGen allele CA005955.